The following is an entry in ClinVar:

NM_133259.4(LRPPRC):c.994A>T (p.Arg332Ter)

Gene: LRPPRC (leucine rich pentatricopeptide repeat containing; minus strand). Cytogenetic location: 2p21.
Variant type: single nucleotide variant.
Coding change: c.994A>T on transcript NM_133259.4 (MANE Select); coding-DNA position 994, A replaced by T.
Protein change: p.Arg332Ter; replaces arginine 332 with a stop codon.
Molecular consequence: nonsense.
Genome position (GRCh38, 1-based): chr2:43,974,629, T>A on the plus strand (A>T on the coding strand, the complement: LRPPRC is on the minus strand). VCF-style: chr2-43974629-T-A. GRCh37 (hg19) VCF-style: chr2-44201768-T-A.
Other names: short protein forms R332*.
Identifiers: ClinVar variation 2700318 (VCV002700318.3), dbSNP rs2466665288, ClinGen allele CA346673664.
Genomic context (GRCh38, chr2:43,974,629, plus strand): 5'-TCAGATTTTTATAAAAATCATGTAAATAGATTTTTTTAAAACTACCTGGAATATATCTTC[T>A]TTCACATGTAACTTTTTCCAAAATTTCTGAGACATACTGAGGATACCCAGCTTTACTGAA-3'

ClinVar aggregate classification (germline): Pathogenic (1 of 4 stars; one submission).

Submission:

Labcorp Genetics (formerly Invitae), Labcorp
Classification: Pathogenic. Last evaluated: 2023-12-02. Review status: criteria provided, single submitter. Criteria: Invitae Variant Classification Sherloc (09022015). Collection method: clinical testing. Allele origin: germline.
Comment: This sequence change creates a premature translational stop signal (p.Arg332*) in the LRPPRC gene. It is expected to result in an absent or disrupted protein product. Loss-of-function variants in LRPPRC are known to be pathogenic (PMID: 26510951). This variant is not present in population databases (gnomAD no frequency). This variant has not been reported in the literature in individuals affected with LRPPRC-related conditions. For these reasons, this variant has been classified as Pathogenic.

Literature cited by the submitters: PubMed 26510951.